The following is an entry in ClinVar:

ClinVar aggregate classification (germline): Uncertain significance (1 of 4 stars; one submission).

gnomAD v4.1: 2 of 1,614,038 alleles (0.00012%); highest among the groups gnomAD compares: South Asian, 0.0011%; no homozygotes.

Submission:

GeneDx
Classification: Uncertain significance. Last evaluated: 2024-11-08. Review status: criteria provided, single submitter. Criteria: GeneDx Variant Classification Process June 2021. Collection method: clinical testing. Allele origin: germline. Affected: yes.
Comment: Not observed at significant frequency in large population cohorts (gnomAD); In silico analysis supports that this missense variant has a deleterious effect on protein structure/function; Has not been previously published as pathogenic or benign to our knowledge

NM_004667.6(HERC2):c.13666G>A (p.Glu4556Lys)

Gene: HERC2 (HECT and RLD domain containing E3 ubiquitin protein ligase 2; minus strand). Cytogenetic location: 15q13.1.
Variant type: single nucleotide variant.
Coding change: c.13666G>A on transcript NM_004667.6 (MANE Select); coding-DNA position 13666, G replaced by A.
Protein change: p.Glu4556Lys; replaces glutamic acid 4556 with lysine.
Molecular consequence: missense variant.
Genome position (GRCh38, 1-based): chr15:28,115,485, C>T on the plus strand (G>A on the coding strand, the complement: HERC2 is on the minus strand). VCF-style: chr15-28115485-C-T. GRCh37 (hg19) VCF-style: chr15-28360631-C-T.
Other names: short protein forms E4556K.
Identifiers: ClinVar variation 3899056 (VCV003899056.1).